The following is an entry in ClinVar:

ClinVar aggregate classification (germline): Uncertain significance (1 of 4 stars; one submission).

Submission:

Labcorp Genetics (formerly Invitae), Labcorp
Classification: Uncertain significance. Last evaluated: 2023-12-06. Review status: criteria provided, single submitter. Criteria: Invitae Variant Classification Sherloc (09022015). Collection method: clinical testing. Allele origin: germline.
Comment: This sequence change replaces tyrosine, which is neutral and polar, with histidine, which is basic and polar, at codon 1096 of the DUOX2 protein (p.Tyr1096His). This variant is not present in population databases (gnomAD no frequency). This variant has not been reported in the literature in individuals affected with DUOX2-related conditions. ClinVar contains an entry for this variant (Variation ID: 2135663). Advanced modeling of protein sequence and biophysical properties (such as structural, functional, and spatial information, amino acid conservation, physicochemical variation, residue mobility, and thermodynamic stability) performed at Invitae indicates that this missense variant is expected to disrupt DUOX2 protein function with a positive predictive value of 80%. In summary, the available evidence is currently insufficient to determine the role of this variant in disease. Therefore, it has been classified as a Variant of Uncertain Significance.

NM_001363711.2(DUOX2):c.3286T>C (p.Tyr1096His)

Gene: DUOX2 (dual oxidase 2; minus strand). Cytogenetic location: 15q21.1.
Variant type: single nucleotide variant.
Coding change: c.3286T>C on transcript NM_001363711.2 (MANE Select); coding-DNA position 3286, T replaced by C.
Protein change: p.Tyr1096His; replaces tyrosine 1096 with histidine.
Molecular consequence: missense variant.
Genome position (GRCh38, 1-based): chr15:45,099,791, A>G on the plus strand (T>C on the coding strand, the complement: DUOX2 is on the minus strand). VCF-style: chr15-45099791-A-G. GRCh37 (hg19) VCF-style: chr15-45391989-A-G.
Other names: c.3286T>C, p.Tyr1096His (NM_014080.5); short protein forms Y1096H.
Identifiers: ClinVar variation 2135663 (VCV002135663.4), dbSNP rs974140902, ClinGen allele CA392262052.